The following is an entry in ClinVar:

NM_004793.4(LONP1):c.2356C>T (p.Arg786Trp)

Gene: LONP1 (lon peptidase 1, mitochondrial; minus strand). Cytogenetic location: 19p13.3.
Variant type: single nucleotide variant.
Coding change: c.2356C>T on transcript NM_004793.4 (MANE Select); coding-DNA position 2356, C replaced by T.
Protein change: p.Arg786Trp; replaces arginine 786 with tryptophan.
Molecular consequence: missense variant. On other transcripts: non-coding transcript variant (1).
Genome position (GRCh38, 1-based): chr19:5,693,734, G>A on the plus strand (C>T on the coding strand, the complement: LONP1 is on the minus strand). VCF-style: chr19-5693734-G-A. GRCh37 (hg19) VCF-style: chr19-5693745-G-A.
Other names: c.2164C>T, p.Arg722Trp (NM_001276479.2); c.1768C>T, p.Arg590Trp (NM_001276480.1); short protein forms R590W, R722W, R786W.
Identifiers: ClinVar variation 3354690 (VCV003354690.3).

ClinVar aggregate classification (germline): Uncertain significance. Review status: criteria provided, single submitter (1 of 4 stars). 2 submissions from 2 submitters: Uncertain significance (1). 1 of the submissions does not count toward it. Last evaluated 2024-03-09.

Conditions:
LONP1-related disorder. Also called: LONP1-related condition; LONP1-related disorders.

gnomAD v4.1: 30 of 1,613,978 alleles (0.0019%); highest among the groups gnomAD compares: East Asian, 0.031%; no homozygotes.

Submissions (2):

Labcorp Genetics (formerly Invitae), Labcorp
Classification: Uncertain significance. Last evaluated: 2024-03-09. Review status: criteria provided, single submitter. Criteria: Invitae Variant Classification Sherloc (09022015). Collection method: clinical testing. Allele origin: germline.
Comment: This sequence change replaces arginine, which is basic and polar, with tryptophan, which is neutral and slightly polar, at codon 786 of the LONP1 protein (p.Arg786Trp). This variant is present in population databases (rs568896016, gnomAD 0.02%). This missense change has been observed in individual(s) with clinical features of autosomal recessive CODAS syndrome (PMID: 28148925, 36305856). In at least one individual the data is consistent with being in trans (on the opposite chromosome) from a pathogenic variant. An algorithm developed to predict the effect of missense changes on protein structure and function (PolyPhen-2) suggests that this variant is likely to be disruptive. In summary, the available evidence is currently insufficient to determine the role of this variant in disease. Therefore, it has been classified as a Variant of Uncertain Significance.

PreventionGenetics, part of Exact Sciences
Classification: Uncertain significance for LONP1-related condition. Last evaluated: 2024-08-08. Review status: no assertion criteria provided. Collection method: clinical testing. Allele origin: germline. Not counted in ClinVar's aggregate classification.
Comment: The LONP1 c.2356C>T variant is predicted to result in the amino acid substitution p.Arg786Trp. This variant was reported in the compound heterozygous state in an individual with cerebellar hypoplasia and atrophy (Patient 96 in Table S2, Sakamoto et al. 2022. PubMed ID: 36305856). This variant is reported in 0.025% of alleles in individuals of East Asian descent in gnomAD. At this time, the clinical significance of this variant is uncertain due to the absence of conclusive functional and genetic evidence.

Literature cited by the submitters: PubMed 28148925 (cited by Labcorp Genetics (formerly Invitae), Labcorp); PubMed 36305856 (cited by Labcorp Genetics (formerly Invitae), Labcorp).